The following is an entry in ClinVar:

NM_000135.4(FANCA):c.2453_2454del (p.Leu817_Phe818insTer)

Gene: FANCA (FA complementation group A; minus strand). Cytogenetic location: 16q24.3.
Variant type: Deletion.
Coding change: c.2453_2454del on transcript NM_000135.4 (MANE Select); coding-DNA positions 2453 to 2454, 2 bases deleted (TT; older notation c.2453_2454delTT).
Protein change: p.Leu817_Phe818insTer.
Molecular consequence: nonsense.
Genome position (GRCh38, 1-based): chr16:89,769,887-89,769,888, AA deleted on the plus strand (TT on the coding strand, the reverse complement: FANCA is on the minus strand); deleting any 2 consecutive bases within chr16:89,769,887-89,769,889 gives the same sequence; the c. name uses the placement nearest the transcript's 3' end. VCF-style (leftmost placement, unchanged base first): chr16-89769886-CAA-C. GRCh37 (hg19) VCF-style: chr16-89836294-CAA-C.
Other names: c.2453_2454del, p.Leu817_Phe818insTer (NM_001286167.3).
Identifiers: ClinVar variation 2884056 (VCV002884056.4), dbSNP rs2544195729, ClinGen allele CA2739266963.
Genomic context (GRCh38, chr16:89,769,886, plus strand): 5'-GAAGAGCTCACTTCAGGCAGAAGAACAAGGAATCCCTCGTCCTACAGGTCAGGAGGCTGT[CAA>C]AGAGCGCAGGGACAGGAAGGCCAGCACCAGGTGCAGGAGGACCCACATCCACCTCTGGGA-3'

ClinVar aggregate classification (germline): Pathogenic/Likely pathogenic. Review status: criteria provided, multiple submitters, no conflicts (2 of 4 stars). 2 submissions from 2 submitters: Pathogenic (1); Likely pathogenic (1). Last evaluated 2024-04-10.

Conditions:
Fanconi anemia (FA). Also called: Fanconi's anemia. Identifiers: Orphanet 84, MedGen C0015625, MeSH D005199, MONDO:0019391.
Fanconi anemia complementation group A (FANCA). Also called: FANCA-Related Fanconi Anemia; Fanconi anemia, group A. Identifiers: Orphanet 84, MedGen C3469521, MONDO:0009215, OMIM 227650.

Submissions (2):

Labcorp Genetics (formerly Invitae), Labcorp
Classification: Pathogenic for Fanconi anemia. Last evaluated: 2024-04-10. Review status: criteria provided, single submitter. Criteria: Invitae Variant Classification Sherloc (09022015). Collection method: clinical testing. Allele origin: germline.
Comment: This sequence change creates a premature translational stop signal (p.Phe818*) in the FANCA gene. It is expected to result in an absent or disrupted protein product. Loss-of-function variants in FANCA are known to be pathogenic (PMID: 19367192). This variant is not present in population databases (gnomAD no frequency). This variant has not been reported in the literature in individuals affected with FANCA-related conditions. For these reasons, this variant has been classified as Pathogenic.

3billion
Classification: Likely pathogenic for Fanconi anemia complementation group A. Last evaluated: 2023-08-22. Review status: criteria provided, single submitter. Criteria: ACMG Guidelines, 2015. Collection method: clinical testing. Allele origin: germline. Affected: yes.
Comment: The variant is not observed in the gnomAD v2.1.1 dataset. Predicted Consequence/Location: Stop-gained (nonsense): predicted to result in a loss or disruption of normal protein function through nonsense-mediated decay (NMD) or protein truncation. Multiple pathogenic variants are reported downstream of the variant. Therefore, this variant is classified as Likely pathogenic according to the recommendation of ACMG/AMP guideline.

Literature cited by the submitters: PubMed 19367192 (cited by Labcorp Genetics (formerly Invitae), Labcorp).